The following is an entry in ClinVar:

ClinVar aggregate classification (germline): Uncertain significance (1 of 4 stars; one submission).

Submission:

GeneDx
Classification: Uncertain significance. Last evaluated: 2025-10-10. Review status: criteria provided, single submitter. Criteria: GeneDx Variant Classification Process June 2021. Collection method: clinical testing. Allele origin: germline.
Comment: Not observed at significant frequency in large population cohorts (gnomAD); In silico analysis suggests this variant may impact gene splicing. In the absence of RNA/functional studies, the actual effect of this sequence change is unknown.; Has not been previously published as pathogenic or benign to our knowledge

NM_002941.4(ROBO1):c.4282+1_4282+26dup

Gene: ROBO1 (roundabout guidance receptor 1; minus strand). Cytogenetic location: 3p12.3.
Variant type: Duplication.
Coding change: c.4282+1_4282+26dup on transcript NM_002941.4 (MANE Select); the canonical splice donor site of the intron after coding-DNA position 4282 through 26 bases into the intron after coding-DNA position 4282, 26 bases duplicated (GTGAGTCCTAACACTTTTCACCAAGC).
Molecular consequence: splice donor variant.
Genome position (GRCh38, 1-based): chr3:78,617,609-78,617,634, GCTTGGTGAAAAGTGTTAGGACTCAC duplicated on the plus strand (GTGAGTCCTAACACTTTTCACCAAGC on the coding strand, the reverse complement: ROBO1 is on the minus strand). VCF-style (leftmost placement, unchanged base first): chr3-78617608-A-AGCTTGGTGAAAAGTGTTAGGACTCAC. GRCh37 (hg19) VCF-style: chr3-78666758-A-AGCTTGGTGAAAAGTGTTAGGACTCAC.
Other names: c.3982+1_3982+26dup (NM_001145845.2); c.4147+1_4147+26dup (NM_133631.4).
Identifiers: ClinVar variation 1712854 (VCV001712854.3), dbSNP rs2471712866, ClinGen allele CA2580070442.